The following is an entry in ClinVar:

NM_001190274.2(FBXO11):c.147_182dup (p.Gln50_Pro61dup)

Gene: FBXO11 (F-box protein 11; minus strand). Cytogenetic location: 2p16.3.
Variant type: Duplication.
Coding change: c.147_182dup on transcript NM_001190274.2 (MANE Select); coding-DNA positions 147 to 182, 36 bases duplicated.
Protein change: p.Gln50_Pro61dup.
Molecular consequence: inframe insertion.
Genome position (GRCh38, 1-based): chr2:47,905,539-47,905,574, 36 bases duplicated; duplicating any 36 consecutive bases within chr2:47,905,539-47,905,597 gives the same sequence; the c. name uses the placement nearest the transcript's 3' end. GRCh37 (hg19): chr2:48,132,701-48,132,736.
Identifiers: ClinVar variation 1343220 (VCV001343220.11), dbSNP rs1478658114, ClinGen allele CA1030312582.

ClinVar aggregate classification (germline): Conflicting classifications of pathogenicity. Review status: criteria provided, conflicting classifications (1 of 4 stars). 3 submissions from 3 submitters: Uncertain significance (1); Likely benign (2). Last evaluated 2025-09-02.

Conditions:
Developmental disorder. Identifiers: MedGen C0008073.

Submissions (3):

Labcorp Genetics (formerly Invitae), Labcorp
Classification: Likely benign. Last evaluated: 2025-09-02. Review status: criteria provided, single submitter. Criteria: Invitae Variant Classification Sherloc (09022015). Collection method: clinical testing. Allele origin: germline.

GeneDx
Classification: Uncertain significance. Last evaluated: 2024-09-12. Review status: criteria provided, single submitter. Criteria: GeneDx Variant Classification Process June 2021. Collection method: clinical testing. Allele origin: germline. Affected: yes.
Comment: Not observed at significant frequency in large population cohorts (gnomAD); In-frame duplication of 12 amino acid(s) in a repetitive region with no known function; Has not been previously published as pathogenic or benign to our knowledge

Department of Genetics, Rouen University Hospital, Normandy Center for Genomic and Personalized Medicine
Classification: Likely benign for Developmental disorder. Last evaluated: 2021-07-13. Review status: criteria provided, single submitter. Criteria: ACMG Guidelines, 2015. Collection method: clinical testing. Allele origin: paternal. Affected: yes.